The following is an entry in ClinVar:

ClinVar aggregate classification (germline): Uncertain significance (1 of 4 stars; one submission).

Conditions:
Hereditary diffuse gastric adenocarcinoma (HDGC). Also called: DIFFUSE GASTRIC AND LOBULAR BREAST CANCER SYNDROME. Identifiers: Orphanet 26106, MedGen C1708349, MONDO:0007648, OMIM 137215.

Submission:

Labcorp Genetics (formerly Invitae), Labcorp
Classification: Uncertain significance for Hereditary diffuse gastric adenocarcinoma. Last evaluated: 2023-12-07. Review status: criteria provided, single submitter. Criteria: Invitae Variant Classification Sherloc (09022015). Collection method: clinical testing. Allele origin: germline.
Comment: This sequence change replaces glycine, which is neutral and non-polar, with tryptophan, which is neutral and slightly polar, at codon 332 of the CDH1 protein (p.Gly332Trp). This variant is not present in population databases (gnomAD no frequency). This variant has not been reported in the literature in individuals affected with CDH1-related conditions. ClinVar contains an entry for this variant (Variation ID: 1362857). An algorithm developed to predict the effect of missense changes on protein structure and function (PolyPhen-2) suggests that this variant is likely to be disruptive. In summary, the available evidence is currently insufficient to determine the role of this variant in disease. Therefore, it has been classified as a Variant of Uncertain Significance.

NM_004360.5(CDH1):c.994G>T (p.Gly332Trp)

Gene: CDH1 (cadherin 1; plus strand). Cytogenetic location: 16q22.1.
Variant type: single nucleotide variant.
Coding change: c.994G>T on transcript NM_004360.5 (MANE Select); coding-DNA position 994, G replaced by T.
Protein change: p.Gly332Trp; replaces glycine 332 with tryptophan.
Molecular consequence: missense variant. On other transcripts: 5 prime UTR variant (2).
Genome position (GRCh38, 1-based): chr16:68,811,845, G>T. VCF-style: chr16-68811845-G-T. GRCh37 (hg19) VCF-style: chr16-68845748-G-T.
Other names: c.994G>T, p.Gly332Trp (NM_001317184.2); c.-622G>T (NM_001317185.2); c.-826G>T (NM_001317186.2); short protein forms G332W.
Identifiers: ClinVar variation 1362857 (VCV001362857.8), dbSNP rs587781759, ClinGen allele CA396459880.